The following is an entry in ClinVar:

ClinVar aggregate classification (germline): Conflicting classifications of pathogenicity. Review status: criteria provided, conflicting classifications (1 of 4 stars). 2 submissions from 2 submitters: Uncertain significance (1); Likely benign (1). Last evaluated 2025-10-26.

Conditions:
Hypertrophic cardiomyopathy. Also called: HYPERTROPHIC MYOCARDIOPATHY. Identifiers: Orphanet 217569, MedGen C0007194, MeSH D002312, MONDO:0005045, HP:0001639.

Allele frequency attached by ClinVar (database versions not stated): gnomAD exomes 0.00002 and 0.00012; gnomAD 0.00005 and 0.00006; TOPMed 0.00006; ExAC 0.00020; 1000 Genomes Project 30x 0.00031; 1000 Genomes Project 0.00040.
gnomAD v4.1: 41 of 1,603,806 alleles (0.0026%); highest among the groups gnomAD compares: East Asian, 0.078%; no homozygotes.

Submissions (2):

Ambry Genetics
Classification: Uncertain significance. Last evaluated: 2025-10-26. Review status: criteria provided, single submitter. Criteria: Ambry Variant Classification Scheme 2023. Collection method: clinical testing. Allele origin: germline.
Comment: The p.N1004D variant (also known as c.3010A>G), located in coding exon 19 of the MYOM1 gene, results from an A to G substitution at nucleotide position 3010. The asparagine at codon 1004 is replaced by aspartic acid, an amino acid with highly similar properties. This amino acid position is conserved. In addition, this alteration is predicted to be tolerated by in silico analysis. Since supporting evidence is limited at this time, the clinical significance of this alteration remains unclear.

Labcorp Genetics (formerly Invitae), Labcorp
Classification: Likely benign for Hypertrophic cardiomyopathy. Last evaluated: 2025-08-29. Review status: criteria provided, single submitter. Criteria: Invitae Variant Classification Sherloc (09022015). Collection method: clinical testing. Allele origin: germline.

NM_003803.4(MYOM1):c.3010A>G (p.Asn1004Asp)

Gene: MYOM1 (myomesin 1; minus strand). Cytogenetic location: 18p11.31.
Variant type: single nucleotide variant.
Coding change: c.3010A>G on transcript NM_003803.4 (MANE Select); coding-DNA position 3010, A replaced by G.
Protein change: p.Asn1004Asp; replaces asparagine 1004 with aspartic acid.
Molecular consequence: missense variant.
Genome position (GRCh38, 1-based): chr18:3,119,977, T>C on the plus strand (A>G on the coding strand, the complement: MYOM1 is on the minus strand). VCF-style: chr18-3119977-T-C. GRCh37 (hg19) VCF-style: chr18-3119975-T-C.
Other names: c.2722A>G, p.Asn908Asp (NM_019856.2); short protein forms N1004D, N908D.
Identifiers: ClinVar variation 525055 (VCV000525055.15), dbSNP rs543434883, ClinGen allele CA8874451.